The following is an entry in ClinVar:

NM_001369.3(DNAH5):c.11299C>T (p.Arg3767Cys)

Genes: DNAH5 (dynein axonemal heavy chain 5; minus strand), LOC107457585 (meiotic recombination hotspot J; plus strand). Cytogenetic location: 5p15.2.
Variant type: single nucleotide variant.
Coding change: c.11299C>T on transcript NM_001369.3 (MANE Select); coding-DNA position 11299, C replaced by T.
Protein change: p.Arg3767Cys; replaces arginine 3767 with cysteine.
Molecular consequence: missense variant.
Genome position (GRCh38, 1-based): chr5:13,737,408, G>A on the plus strand (C>T on the coding strand, the complement: DNAH5 is on the minus strand). VCF-style: chr5-13737408-G-A. GRCh37 (hg19) VCF-style: chr5-13737517-G-A.
Other names: c.11299C>T (NM_001369.2); short protein forms R3767C.
Identifiers: ClinVar variation 2053913 (VCV002053913.3), dbSNP rs780369063, ClinGen allele CA113928703.

ClinVar aggregate classification (germline): Uncertain significance. Review status: criteria provided, multiple submitters, no conflicts (2 of 4 stars). 2 submissions from 2 submitters: Uncertain significance (2). Last evaluated 2025-08-20.

Conditions:
Primary ciliary dyskinesia. Also called: Ciliary dyskinesia. Identifiers: Orphanet 244, MedGen C0008780, MONDO:0016575, HP:0012265.

Allele frequency attached by ClinVar (database versions not stated): TOPMed 0.00001; gnomAD 0.00002; gnomAD exomes 0.00003.
gnomAD v4.1: 43 of 1,613,962 alleles (0.0027%); highest among the groups gnomAD compares: South Asian, 0.0066%; no homozygotes.

Submissions (2):

Labcorp Genetics (formerly Invitae), Labcorp
Classification: Uncertain significance for Primary ciliary dyskinesia. Last evaluated: 2025-08-20. Review status: criteria provided, single submitter. Criteria: Invitae Variant Classification Sherloc (09022015). Collection method: clinical testing. Allele origin: germline.
Comment: This sequence change replaces arginine, which is basic and polar, with cysteine, which is neutral and slightly polar, at codon 3767 of the DNAH5 protein (p.Arg3767Cys). This variant is present in population databases (rs780369063, gnomAD 0.003%). This variant has not been reported in the literature in individuals affected with DNAH5-related conditions. ClinVar contains an entry for this variant (Variation ID: 2053913). Invitae Evidence Modeling of protein sequence and biophysical properties (such as structural, functional, and spatial information, amino acid conservation, physicochemical variation, residue mobility, and thermodynamic stability) indicates that this missense variant is not expected to disrupt DNAH5 protein function with a negative predictive value of 95%. In summary, the available evidence is currently insufficient to determine the role of this variant in disease. Therefore, it has been classified as a Variant of Uncertain Significance.

Ambry Genetics
Classification: Uncertain significance for Primary ciliary dyskinesia. Last evaluated: 2024-05-01. Review status: criteria provided, single submitter. Criteria: Ambry Variant Classification Scheme 2023. Collection method: clinical testing. Allele origin: germline.